The following is an entry in ClinVar:

ClinVar aggregate classification (germline): Uncertain significance (1 of 4 stars; one submission).

Conditions:
Inborn genetic diseases. Identifiers: MedGen C0950123, MeSH D030342.

Submission:

Ambry Genetics
Classification: Uncertain significance for Inborn genetic diseases. Last evaluated: 2025-04-29. Review status: criteria provided, single submitter. Criteria: Ambry Variant Classification Scheme 2023. Collection method: clinical testing. Allele origin: germline.
Comment: The p.K392R variant (also known as c.1175A>G), located in coding exon 11 of the DDX41 gene, results from an A to G substitution at nucleotide position 1175. The lysine at codon 392 is replaced by arginine, an amino acid with highly similar properties. This amino acid position is conserved. In addition, this alteration is predicted to be tolerated by in silico analysis. Based on the available evidence, the clinical significance of this variant remains unclear.

NM_016222.4(DDX41):c.1175A>G (p.Lys392Arg)

Gene: DDX41 (DEAD-box helicase 41; minus strand). Cytogenetic location: 5q35.3.
Variant type: single nucleotide variant.
Coding change: c.1175A>G on transcript NM_016222.4 (MANE Select); coding-DNA position 1175, A replaced by G.
Protein change: p.Lys392Arg; replaces lysine 392 with arginine.
Molecular consequence: missense variant.
Genome position (GRCh38, 1-based): chr5:177,513,408, T>C on the plus strand (A>G on the coding strand, the complement: DDX41 is on the minus strand). VCF-style: chr5-177513408-T-C. GRCh37 (hg19) VCF-style: chr5-176940409-T-C.
Other names: c.797A>G, p.Lys266Arg (NM_001321732.2, NM_001321830.2); short protein forms K266R, K392R.
Identifiers: ClinVar variation 4010335 (VCV004010335.1).
Genomic context (GRCh38, chr5:177,513,408, plus strand): 5'-CCCACCTGGATGACATCCAGGCTGGCAGCCCCAGCGCGCCCCACATTGATGGTCACAGGC[T>C]TTACAAGGGCACTCTTAGCAAAGTTCTGAATCTTCTTCGGCATGGTGGCACTGAAGAGCA-3'
Protein context (NP_057306.2, residues 382-402): IQNFAKSALV[Lys392Arg]PVTINVGRAG